The following is an entry in ClinVar:

NM_001358530.2(MOCS1):c.1477A>G (p.Met493Val)

Gene: MOCS1 (molybdenum cofactor synthesis 1; minus strand). Cytogenetic location: 6p21.2.
Variant type: single nucleotide variant.
Coding change: c.1477A>G on transcript NM_001358530.2 (MANE Select); coding-DNA position 1477, A replaced by G.
Protein change: p.Met493Val; replaces methionine 493 with valine.
Molecular consequence: missense variant. On other transcripts: 3 prime UTR variant (4), non-coding transcript variant (1).
Genome position (GRCh38, 1-based): chr6:39,906,791, T>C on the plus strand (A>G on the coding strand, the complement: MOCS1 is on the minus strand). VCF-style: chr6-39906791-T-C. GRCh37 (hg19) VCF-style: chr6-39874567-T-C.
Other names: c.*334A>G (NM_001075098.4, NM_001358533.2, NM_001358534.2 and 1 more transcripts); c.1429A>G, p.Met477Val (NM_001358529.2); c.1216A>G, p.Met406Val (NM_001358531.2); short protein forms M406V, M477V, M493V.
Identifiers: ClinVar variation 1416968 (VCV001416968.6), dbSNP rs2149396227, ClinGen allele CA364040265.
Genomic context (GRCh38, chr6:39,906,791, plus strand): 5'-GGACCACGGCTGAAGCCACAGCCACCCGCTCTGTGTCTGGCTTCCTGCCCACATCTACCA[T>C]AGCTGCCCGTCCTTCCGAGTCCACATGAGTTAGTTGTTCTGAGGTTAGCTGGGGTCCTGA-3'
Protein context (NP_001345459.1, residues 483-503): THVDSEGRAA[Met493Val]VDVGRKPDTE

ClinVar aggregate classification (germline): Uncertain significance (1 of 4 stars; one submission).

Conditions:
Sulfite oxidase deficiency due to molybdenum cofactor deficiency type A. Also called: Molybdenum cofactor deficiency, complementation group A; Molybdenum Cofactor Deficiency A. Identifiers: Orphanet 308386, Orphanet 833, MedGen C1854988, MONDO:0009643, OMIM 252150.

Submission:

Labcorp Genetics (formerly Invitae), Labcorp
Classification: Uncertain significance for Sulfite oxidase deficiency due to molybdenum cofactor deficiency type A. Last evaluated: 2023-10-03. Review status: criteria provided, single submitter. Criteria: Invitae Variant Classification Sherloc (09022015). Collection method: clinical testing. Allele origin: germline.
Comment: This sequence change replaces methionine, which is neutral and non-polar, with valine, which is neutral and non-polar, at codon 493 of the MOCS1 protein (p.Met493Val). This variant is not present in population databases (gnomAD no frequency). This variant has not been reported in the literature in individuals affected with MOCS1-related conditions. ClinVar contains an entry for this variant (Variation ID: 1416968). An algorithm developed to predict the effect of missense changes on protein structure and function (PolyPhen-2) suggests that this variant is likely to be disruptive. In summary, the available evidence is currently insufficient to determine the role of this variant in disease. Therefore, it has been classified as a Variant of Uncertain Significance.